The following is an entry in ClinVar:

ClinVar aggregate classification (germline): Likely benign (1 of 4 stars; one submission).

Conditions:
ARHGAP31-related disorder. Also called: ARHGAP31-related condition.

gnomAD v4.1: 14 of 1,614,092 alleles (0.00087%); highest among the groups gnomAD compares: East Asian, 0.031%; no homozygotes.

Submission:

PreventionGenetics, part of Exact Sciences
Classification: Likely benign for ARHGAP31-related condition. Last evaluated: 2026-02-03. Review status: criteria provided, single submitter. Criteria: ACMG Guidelines, 2015. Collection method: clinical testing. Allele origin: germline.
Comment: This variant is classified as likely benign based on ACMG/AMP sequence variant interpretation guidelines (Richards et al. 2015 PMID: 25741868, with internal and published modifications).

NM_020754.4(ARHGAP31):c.3014G>C (p.Arg1005Thr)

Gene: ARHGAP31 (Rho GTPase activating protein 31; plus strand). Cytogenetic location: 3q13.33.
Variant type: single nucleotide variant.
Coding change: c.3014G>C on transcript NM_020754.4 (MANE Select); coding-DNA position 3014, G replaced by C.
Protein change: p.Arg1005Thr; replaces arginine 1005 with threonine.
Molecular consequence: missense variant.
Genome position (GRCh38, 1-based): chr3:119,414,943, G>C. VCF-style: chr3-119414943-G-C. GRCh37 (hg19) VCF-style: chr3-119133790-G-C.
Other names: short protein forms R1005T.
Identifiers: ClinVar variation 4977829 (VCV004977829.1).
Genomic context (GRCh38, chr3:119,414,943, plus strand): 5'-ACCCTCTTCAGCCCCAGGCACCCAGGAGAGAGATTACTGGATGGGATGAGAAAGCCCTGA[G>C]GTCCTTCAGAGAGTTCTCTGGCCTGAAAGGGGCAGAGGCTCCTCCCAACCAGAAGGGACC-3'
Protein context (NP_065805.2, residues 995-1015): EITGWDEKAL[Arg1005Thr]SFREFSGLKG